The following is an entry in ClinVar:

NM_153704.6(TMEM67):c.161A>G (p.Tyr54Cys)

Gene: TMEM67 (transmembrane protein 67; plus strand). Cytogenetic location: 8q22.1.
Variant type: single nucleotide variant.
Coding change: c.161A>G on transcript NM_153704.6 (MANE Select); coding-DNA position 161, A replaced by G.
Protein change: p.Tyr54Cys; replaces tyrosine 54 with cysteine.
Molecular consequence: missense variant. On other transcripts: 5 prime UTR variant (1), non-coding transcript variant (1).
Genome position (GRCh38, 1-based): chr8:93,755,075, A>G. VCF-style: chr8-93755075-A-G. GRCh37 (hg19) VCF-style: chr8-94767303-A-G.
Other names: c.-124A>G (NM_001142301.1); short protein forms Y54C.
Identifiers: ClinVar variation 56769 (VCV000056769.2), dbSNP rs386834188, ClinGen allele CA144451.

ClinVar aggregate classification (germline): Likely pathogenic (0 of 4 stars; one submission).

Conditions:
Meckel syndrome, type 3 (MKS3). Also called: MECKEL-GRUBER SYNDROME, TYPE 3. Identifiers: Orphanet 564, MedGen C1846357, MONDO:0011821, OMIM 607361.

Allele frequency attached by ClinVar (database versions not stated): gnomAD exomes below 0.00001; TOPMed below 0.00001; gnomAD 0.00001.
gnomAD v4.1: 3 of 1,614,078 alleles (0.00019%); highest among the groups gnomAD compares: Non-Finnish European, 0.00025%; no homozygotes.

Submission:

Juha Muilu Group; Institute for Molecular Medicine Finland (FIMM)
Classification: Likely pathogenic for Meckel syndrome type 3. Review status: no assertion criteria provided. Collection method: not provided. Allele origin: unknown.
Comment: FinDis database variant: This variant was not found or characterized by our laboratory, data were collected from public sources: see reference
ClinVar note: Converted during submission from probable-pathogenic to Likely pathogenic.